The following is an entry in ClinVar:

NM_005050.4(ABCD4):c.1118+9C>T

Gene: ABCD4 (ATP binding cassette subfamily D member 4; minus strand). Cytogenetic location: 14q24.3.
Variant type: single nucleotide variant.
Coding change: c.1118+9C>T on transcript NM_005050.4 (MANE Select); 9 bases into the intron after coding-DNA position 1118, C replaced by T.
Molecular consequence: intron variant.
Genome position (GRCh38, 1-based): chr14:74,292,278, G>A on the plus strand (C>T on the coding strand, the complement: ABCD4 is on the minus strand). VCF-style: chr14-74292278-G-A. GRCh37 (hg19) VCF-style: chr14-74758981-G-A.
Other names: c.329+9C>T (NM_001353607.2, NM_001353604.2, NM_001353603.2 and 6 more transcripts); c.641+9C>T (NM_001353598.2, NM_001353601.2, NM_001353600.2 and 2 more transcripts); c.806+9C>T (NM_001353594.2); c.857+9C>T (NM_001353593.2); c.653+9C>T (NM_001353597.2); c.704+9C>T (NM_001353596.2, NM_001353595.2); c.992+9C>T (NM_001353591.2, NM_001353592.2); c.1118+9C>T (NM_020325.3).
Identifiers: ClinVar variation 512105 (VCV000512105.13), dbSNP rs370581068, ClinGen allele CA7266925.

ClinVar aggregate classification (germline): Likely benign. Review status: criteria provided, multiple submitters, no conflicts (2 of 4 stars). 3 submissions from 3 submitters: Likely benign (2). 1 of the submissions does not count toward it. Last evaluated 2025-07-18.

Conditions:
ABCD4-related disorder. Also called: ABCD4-related condition.
Methylmalonic acidemia with homocystinuria, type cblJ (MAHCJ). Also called: METHYLMALONIC ACIDURIA AND HOMOCYSTINURIA, cblJ TYPE. Identifiers: Orphanet 369955, MedGen C3553915, MONDO:0013925, OMIM 614857.

Allele frequency attached by ClinVar (database versions not stated): ExAC 0.00014; ESP Exome Variant Server 0.00031; gnomAD 0.00041; TOPMed 0.00049.
gnomAD v4.1: 146 of 1,613,558 alleles (0.009%); highest among the groups gnomAD compares: African/African-American, 0.15%; 1 homozygote.

Submissions (3):

Labcorp Genetics (formerly Invitae), Labcorp
Classification: Likely benign for Methylmalonic acidemia with homocystinuria, type cblJ. Last evaluated: 2025-07-18. Review status: criteria provided, single submitter. Criteria: Invitae Variant Classification Sherloc (09022015). Collection method: clinical testing. Allele origin: germline.

GeneDx
Classification: Likely benign. Last evaluated: 2017-10-02. Review status: criteria provided, single submitter. Criteria: GeneDx Variant Classification (06012015). Collection method: clinical testing. Allele origin: germline. Affected: yes.
Comment: This variant is considered likely benign or benign based on one or more of the following criteria: it is a conservative change, it occurs at a poorly conserved position in the protein, it is predicted to be benign by multiple in silico algorithms, and/or has population frequency not consistent with disease.

PreventionGenetics, part of Exact Sciences
Classification: Likely benign for ABCD4-related condition. Last evaluated: 2019-03-22. Review status: no assertion criteria provided. Collection method: clinical testing. Allele origin: germline. Not counted in ClinVar's aggregate classification.
Comment: This variant is classified as likely benign based on ACMG/AMP sequence variant interpretation guidelines (Richards et al. 2015 PMID: 25741868, with internal and published modifications).